The following is an entry in ClinVar:

NM_001083116.3(PRF1):c.1284G>A (p.Trp428Ter)

Gene: PRF1 (perforin 1; minus strand). Cytogenetic location: 10q22.1.
Variant type: single nucleotide variant.
Coding change: c.1284G>A on transcript NM_001083116.3 (MANE Select); coding-DNA position 1284, G replaced by A.
Protein change: p.Trp428Ter; replaces tryptophan 428 with a stop codon.
Molecular consequence: nonsense.
Genome position (GRCh38, 1-based): chr10:70,598,437, C>T on the plus strand (G>A on the coding strand, the complement: PRF1 is on the minus strand). VCF-style: chr10-70598437-C-T. GRCh37 (hg19) VCF-style: chr10-72358193-C-T.
Other names: c.1284G>A, p.Trp428Ter (NM_005041.6); short protein forms W428*.
Identifiers: ClinVar variation 2664789 (VCV002664789.1), dbSNP rs2493482798, ClinGen allele CA376956170.

ClinVar aggregate classification (germline): Likely pathogenic (1 of 4 stars; one submission).

Conditions:
Familial hemophagocytic lymphohistiocytosis 2 (FHL2). Also called: PRF1-Related Familial Hemophagocytic Lymphohistiocytosis (PRF1-fHLH). Identifiers: Orphanet 540, MedGen C1863727, MONDO:0011337, OMIM 603553.

Submission:

Genetics and Molecular Pathology, SA Pathology
Classification: Likely pathogenic for Familial hemophagocytic lymphohistiocytosis 2. Last evaluated: 2023-06-01. Review status: criteria provided, single submitter. Criteria: ACMG Guidelines, 2015. Collection method: clinical testing. Allele origin: germline. Inheritance: Autosomal recessive inheritance. Affected: yes.
Comment: The PRF1 c.1284G>A variant is classified as Likely Pathogenic (PVS1, PM2) The PRF1 c.1284G>A variant is a single nucleotide change which is predicted to result in premature termination of the protein product at codon 428, terminating a significant portion of the wildtype protein (PVS1). This variant is absent from population databases (PM2). This variant has not been reported in dbSNP, ClinVar or HGMD (2023.1). It has not been reported in the scientific literature to date.